The following is an entry in ClinVar:

ClinVar aggregate classification (germline): Uncertain significance (1 of 4 stars; one submission).

Conditions:
Dyskeratosis congenita. Identifiers: Orphanet 1775, MedGen C0265965, MONDO:0015780.

Submission:

Labcorp Genetics (formerly Invitae), Labcorp
Classification: Uncertain significance for Dyskeratosis congenita. Last evaluated: 2017-08-10. Review status: criteria provided, single submitter. Criteria: Invitae Variant Classification Sherloc (09022015). Collection method: clinical testing. Allele origin: germline.
Comment: This sequence change replaces glutamic acid with alanine at codon 342 of the TINF2 protein (p.Glu342Ala). The glutamic acid residue is highly conserved and there is a moderate physicochemical difference between glutamic acid and alanine. This variant is not present in population databases (ExAC no frequency). This variant has not been reported in the literature in individuals with TINF2-related disease. Algorithms developed to predict the effect of missense changes on protein structure and function do not agree on the potential impact of this missense change (SIFT: "Deleterious"; PolyPhen-2: "Possibly Damaging"; Align-GVGD: "Class C0"). In summary, the available evidence is currently insufficient to determine the role of this variant in disease. Therefore, it has been classified as a Variant of Uncertain Significance.

NM_001099274.3(TINF2):c.1025A>C (p.Glu342Ala)

Gene: TINF2 (TERF1 interacting nuclear factor 2; minus strand). Cytogenetic location: 14q12.
Variant type: single nucleotide variant.
Coding change: c.1025A>C on transcript NM_001099274.3 (MANE Select); coding-DNA position 1025, A replaced by C.
Protein change: p.Glu342Ala; replaces glutamic acid 342 with alanine.
Molecular consequence: missense variant.
Genome position (GRCh38, 1-based): chr14:24,240,455, T>G on the plus strand (A>C on the coding strand, the complement: TINF2 is on the minus strand). VCF-style: chr14-24240455-T-G. GRCh37 (hg19) VCF-style: chr14-24709661-T-G.
Other names: c.920A>C, p.Glu307Ala (NM_001363668.2); c.1025A>C, p.Glu342Ala (NM_012461.3); short protein forms E342A, E307A.
Identifiers: ClinVar variation 529184 (VCV000529184.1), dbSNP rs1555303978, ClinGen allele CA389223619.